The following is an entry in ClinVar:

ClinVar aggregate classification (germline): Uncertain significance (1 of 4 stars; one submission).

Submission:

Labcorp Genetics (formerly Invitae), Labcorp
Classification: Uncertain significance. Last evaluated: 2022-07-05. Review status: criteria provided, single submitter. Criteria: Invitae Variant Classification Sherloc (09022015). Collection method: clinical testing. Allele origin: germline.
Comment: This sequence change replaces lysine, which is basic and polar, with glutamic acid, which is acidic and polar, at codon 61 of the IMPG2 protein (p.Lys61Glu). This variant is not present in population databases (gnomAD no frequency). This variant has not been reported in the literature in individuals affected with IMPG2-related conditions. ClinVar contains an entry for this variant (Variation ID: 1522691). Algorithms developed to predict the effect of missense changes on protein structure and function output the following: SIFT: "Tolerated"; PolyPhen-2: "Benign"; Align-GVGD: "Class C0". The glutamic acid amino acid residue is found in multiple mammalian species, which suggests that this missense change does not adversely affect protein function. In summary, the available evidence is currently insufficient to determine the role of this variant in disease. Therefore, it has been classified as a Variant of Uncertain Significance.

NM_016247.4(IMPG2):c.181A>G (p.Lys61Glu)

Gene: IMPG2 (interphotoreceptor matrix proteoglycan 2; minus strand). Cytogenetic location: 3q12.3.
Variant type: single nucleotide variant.
Coding change: c.181A>G on transcript NM_016247.4 (MANE Select); coding-DNA position 181, A replaced by G.
Protein change: p.Lys61Glu; replaces lysine 61 with glutamic acid.
Molecular consequence: missense variant.
Genome position (GRCh38, 1-based): chr3:101,319,737, T>C on the plus strand (A>G on the coding strand, the complement: IMPG2 is on the minus strand). VCF-style: chr3-101319737-T-C. GRCh37 (hg19) VCF-style: chr3-101038581-T-C.
Other names: short protein forms K61E.
Identifiers: ClinVar variation 1522691 (VCV001522691.8), dbSNP rs2058802218, ClinGen allele CA353858381.